The following is an entry in ClinVar:

ClinVar aggregate classification (germline): Uncertain significance (1 of 4 stars; one submission).

Submission:

Labcorp Genetics (formerly Invitae), Labcorp
Classification: Uncertain significance. Last evaluated: 2024-09-11. Review status: criteria provided, single submitter. Criteria: Invitae Variant Classification Sherloc (09022015). Collection method: clinical testing. Allele origin: germline.
Comment: This sequence change replaces cysteine, which is neutral and slightly polar, with tryptophan, which is neutral and slightly polar, at codon 1620 of the COL4A5 protein (p.Cys1620Trp). This variant is not present in population databases (gnomAD no frequency). This variant has not been reported in the literature in individuals affected with COL4A5-related conditions. Invitae Evidence Modeling of protein sequence and biophysical properties (such as structural, functional, and spatial information, amino acid conservation, physicochemical variation, residue mobility, and thermodynamic stability) has been performed for this missense variant. However, the output from this modeling did not meet the statistical confidence thresholds required to predict the impact of this variant on COL4A5 protein function. In summary, the available evidence is currently insufficient to determine the role of this variant in disease. Therefore, it has been classified as a Variant of Uncertain Significance.

NM_033380.3(COL4A5):c.4878C>G (p.Cys1626Trp)

Gene: COL4A5 (collagen type IV alpha 5 chain; plus strand). Cytogenetic location: Xq22.3.
Variant type: single nucleotide variant.
Coding change: c.4878C>G on transcript NM_033380.3 (MANE Select); coding-DNA position 4878, C replaced by G.
Protein change: p.Cys1626Trp; replaces cysteine 1626 with tryptophan.
Molecular consequence: missense variant.
Genome position (GRCh38, 1-based): chrX:108,695,323, C>G. VCF-style: chrX-108695323-C-G. GRCh37 (hg19) VCF-style: chrX-107938553-C-G.
Other names: c.4860C>G, p.Cys1620Trp (NM_000495.5); short protein forms C1620W, C1626W.
Identifiers: ClinVar variation 3636333 (VCV003636333.2).